The following is an entry in ClinVar:

ClinVar aggregate classification (germline): Uncertain significance. Review status: criteria provided, multiple submitters, no conflicts (2 of 4 stars). 2 submissions from 2 submitters: Uncertain significance (2). Last evaluated 2024-07-10.

Conditions:
Tuberous sclerosis 1 (TSC1). Identifiers: Orphanet 805, MedGen C1854465, MONDO:0008612, OMIM 191100.

Submissions (2):

3billion
Classification: Uncertain significance for Tuberous sclerosis 1. Last evaluated: 2024-07-10. Review status: criteria provided, single submitter. Criteria: ACMG Guidelines, 2015. Collection method: clinical testing. Allele origin: germline. Affected: yes.
Comment: The variant is not observed in the gnomAD v4.0.0 dataset. Predicted Consequence/Location: The majority of the known disease-causing variants of this gene are variants expected to result in premature termination of the protein. In silico tool predictions suggest damaging effect of the variant on gene or gene product [REVEL: 0.85 (>=0.6, sensitivity 0.68 and specificity 0.92)]. The variant has been reported as of uncertain significance (ClinVar ID: VCV002102815). Therefore, this variant is classified as VUS according to the recommendation of ACMG/AMP guideline.

Labcorp Genetics (formerly Invitae), Labcorp
Classification: Uncertain significance for Tuberous sclerosis 1. Last evaluated: 2023-02-14. Review status: criteria provided, single submitter. Criteria: Invitae Variant Classification Sherloc (09022015). Collection method: clinical testing. Allele origin: germline.
Comment: In summary, the available evidence is currently insufficient to determine the role of this variant in disease. Therefore, it has been classified as a Variant of Uncertain Significance. Advanced modeling of protein sequence and biophysical properties (such as structural, functional, and spatial information, amino acid conservation, physicochemical variation, residue mobility, and thermodynamic stability) performed at Invitae indicates that this missense variant is not expected to disrupt TSC1 protein function. This variant has not been reported in the literature in individuals affected with TSC1-related conditions. This variant is not present in population databases (gnomAD no frequency). This sequence change replaces proline, which is neutral and non-polar, with leucine, which is neutral and non-polar, at codon 196 of the TSC1 protein (p.Pro196Leu).

NM_000368.5(TSC1):c.587C>T (p.Pro196Leu)

Gene: TSC1 (TSC complex subunit 1; minus strand). Cytogenetic location: 9q34.13.
Variant type: single nucleotide variant.
Coding change: c.587C>T on transcript NM_000368.5 (MANE Select); coding-DNA position 587, C replaced by T.
Protein change: p.Pro196Leu; replaces proline 196 with leucine.
Molecular consequence: missense variant.
Genome position (GRCh38, 1-based): chr9:132,921,895, G>A on the plus strand (C>T on the coding strand, the complement: TSC1 is on the minus strand). VCF-style: chr9-132921895-G-A. GRCh37 (hg19) VCF-style: chr9-135797282-G-A.
Other names: c.587C>T, p.Pro196Leu (NM_001162426.2, NM_001406592.1, NM_001406593.1 and 16 more transcripts); c.434C>T, p.Pro145Leu (NM_001162427.2, NM_001406610.1, NM_001406611.1 and 2 more transcripts); c.224C>T, p.Pro75Leu (NM_001362177.2, NM_001406614.1, NM_001406615.1 and 10 more transcripts); c.-291C>T (NM_001406626.1, NM_001406627.1, NM_001406628.1); c.-433C>T (NM_001406629.1); c.-507C>T (NM_001406630.1); short protein forms P75L, P145L, P196L.
Identifiers: ClinVar variation 2102815 (VCV002102815.5), dbSNP rs2132155524, ClinGen allele CA375372589.